The following is an entry in ClinVar:

ClinVar aggregate classification (germline): Uncertain significance (1 of 4 stars; one submission).

Conditions:
Bethlem myopathy 1A. Also called: Bethlem Muscular Dystrophy; Bethlem myopathy 1; MYOPATHY, BENIGN CONGENITAL, WITH CONTRACTURES. Identifiers: Orphanet 610, MedGen CN029274, MONDO:0024530, OMIM 158810.

Allele frequency attached by ClinVar (database versions not stated): gnomAD exomes below 0.00001 and 0.00002; gnomAD 0.00001; TOPMed 0.00001; ExAC 0.00002.
gnomAD v4.1: 32 of 1,613,734 alleles (0.002%); highest among the groups gnomAD compares: Middle Eastern, 0.016%; no homozygotes.

Submission:

Labcorp Genetics (formerly Invitae), Labcorp
Classification: Uncertain significance for Bethlem myopathy 1A. Last evaluated: 2025-04-02. Review status: criteria provided, single submitter. Criteria: Invitae Variant Classification Sherloc (09022015). Collection method: clinical testing. Allele origin: germline.
Comment: This sequence change replaces threonine, which is neutral and polar, with methionine, which is neutral and non-polar, at codon 2456 of the COL6A3 protein (p.Thr2456Met). This variant is present in population databases (rs747074064, gnomAD 0.002%). This variant has not been reported in the literature in individuals affected with COL6A3-related conditions. ClinVar contains an entry for this variant (Variation ID: 967574). Invitae Evidence Modeling of protein sequence and biophysical properties (such as structural, functional, and spatial information, amino acid conservation, physicochemical variation, residue mobility, and thermodynamic stability) indicates that this missense variant is expected to disrupt COL6A3 protein function with a positive predictive value of 80%. In summary, the available evidence is currently insufficient to determine the role of this variant in disease. Therefore, it has been classified as a Variant of Uncertain Significance.

NM_004369.4(COL6A3):c.7367C>T (p.Thr2456Met)

Gene: COL6A3 (collagen type VI alpha 3 chain; minus strand). Cytogenetic location: 2q37.3.
Variant type: single nucleotide variant.
Coding change: c.7367C>T on transcript NM_004369.4 (MANE Select); coding-DNA position 7367, C replaced by T.
Protein change: p.Thr2456Met; replaces threonine 2456 with methionine.
Molecular consequence: missense variant.
Genome position (GRCh38, 1-based): chr2:237,344,651, G>A on the plus strand (C>T on the coding strand, the complement: COL6A3 is on the minus strand). VCF-style: chr2-237344651-G-A. GRCh37 (hg19) VCF-style: chr2-238253294-G-A.
Other names: c.5546C>T, p.Thr1849Met (NM_057166.5); c.6749C>T, p.Thr2250Met (NM_057167.4); short protein forms T1849M, T2250M, T2456M.
Identifiers: ClinVar variation 967574 (VCV000967574.8), dbSNP rs747074064, ClinGen allele CA2187816.